The following is an entry in ClinVar:

NM_005257.6(GATA6):c.160C>G (p.Pro54Ala)

Gene: GATA6 (GATA binding protein 6; plus strand). Cytogenetic location: 18q11.2.
Variant type: single nucleotide variant.
Coding change: c.160C>G on transcript NM_005257.6 (MANE Select); coding-DNA position 160, C replaced by G.
Protein change: p.Pro54Ala; replaces proline 54 with alanine.
Molecular consequence: missense variant.
Genome position (GRCh38, 1-based): chr18:22,171,304, C>G. VCF-style: chr18-22171304-C-G. GRCh37 (hg19) VCF-style: chr18-19751265-C-G.
Other names: short protein forms P54A.
Identifiers: ClinVar variation 2761025 (VCV002761025.3), dbSNP rs769197296, ClinGen allele CA8908830.

ClinVar aggregate classification (germline): Uncertain significance (1 of 4 stars; one submission).

Conditions:
Atrioventricular septal defect 5 (AVSD5). Identifiers: MedGen C3280939, MONDO:0013769, OMIM 614474.

Allele frequency attached by ClinVar (database versions not stated): gnomAD 0.00001; 1000 Genomes Project 30x 0.00016.
gnomAD v4.1: 20 of 1,590,870 alleles (0.0013%); highest among the groups gnomAD compares: East Asian, 0.045%; no homozygotes.

Submission:

Labcorp Genetics (formerly Invitae), Labcorp
Classification: Uncertain significance for Atrioventricular septal defect 5. Last evaluated: 2024-02-06. Review status: criteria provided, single submitter. Criteria: Invitae Variant Classification Sherloc (09022015). Collection method: clinical testing. Allele origin: germline.
Comment: This sequence change replaces proline, which is neutral and non-polar, with alanine, which is neutral and non-polar, at codon 54 of the GATA6 protein (p.Pro54Ala). This variant is present in population databases (rs769197296, gnomAD 0.02%). This variant has not been reported in the literature in individuals affected with GATA6-related conditions. An algorithm developed to predict the effect of missense changes on protein structure and function (PolyPhen-2) suggests that this variant is likely to be tolerated. In summary, the available evidence is currently insufficient to determine the role of this variant in disease. Therefore, it has been classified as a Variant of Uncertain Significance.